The following is an entry in ClinVar:

ClinVar aggregate classification (germline): Uncertain significance (1 of 4 stars; one submission).

Submission:

Ambry Genetics
Classification: Uncertain significance. Last evaluated: 2024-08-09. Review status: criteria provided, single submitter. Criteria: Ambry Variant Classification Scheme 2023. Collection method: clinical testing. Allele origin: germline.
Comment: The p.T1355S variant (also known as c.4064C>G), located in coding exon 37 of the KIF1B gene, results from a C to G substitution at nucleotide position 4064. The threonine at codon 1355 is replaced by serine, an amino acid with similar properties. This amino acid position is conserved. In addition, the in silico prediction for this alteration is inconclusive. Based on the available evidence, the clinical significance of this variant remains unclear.

NM_001365951.3(KIF1B):c.4202C>G (p.Thr1401Ser)

Gene: KIF1B (kinesin family member 1B; plus strand). Cytogenetic location: 1p36.22.
Variant type: single nucleotide variant.
Coding change: c.4202C>G on transcript NM_001365951.3 (MANE Select); coding-DNA position 4202, C replaced by G.
Protein change: p.Thr1401Ser; replaces threonine 1401 with serine.
Molecular consequence: missense variant.
Genome position (GRCh38, 1-based): chr1:10,361,723, C>G. VCF-style: chr1-10361723-C-G. GRCh37 (hg19) VCF-style: chr1-10421781-C-G.
Other names: c.4202C>G, p.Thr1401Ser (NM_001365952.1); c.4064C>G, p.Thr1355Ser (NM_015074.3); short protein forms T1401S, T1355S.
Identifiers: ClinVar variation 3533969 (VCV003533969.1).